The following is an entry in ClinVar:

ClinVar aggregate classification (germline): Uncertain significance (1 of 4 stars; one submission).

gnomAD v4.1: 1 of 1,613,928 alleles (0.000062%); highest among the groups gnomAD compares: Non-Finnish European, 0.000085%; no homozygotes.

Submission:

GeneDx
Classification: Uncertain significance. Last evaluated: 2025-02-14. Review status: criteria provided, single submitter. Criteria: GeneDx Variant Classification Process June 2021. Collection method: clinical testing. Allele origin: germline. Affected: yes.
Comment: Not observed at significant frequency in large population cohorts (gnomAD); In silico analysis supports that this missense variant does not alter protein structure/function; Has not been previously published as pathogenic or benign to our knowledge

NM_181486.4(TBX5):c.1384G>T (p.Ala462Ser)

Gene: TBX5 (T-box transcription factor 5; minus strand). Cytogenetic location: 12q24.21.
Variant type: single nucleotide variant.
Coding change: c.1384G>T on transcript NM_181486.4 (MANE Select); coding-DNA position 1384, G replaced by T.
Protein change: p.Ala462Ser; replaces alanine 462 with serine.
Molecular consequence: missense variant.
Genome position (GRCh38, 1-based): chr12:114,355,705, C>A on the plus strand (G>T on the coding strand, the complement: TBX5 is on the minus strand). VCF-style: chr12-114355705-C-A. GRCh37 (hg19) VCF-style: chr12-114793510-C-A.
Other names: c.1384G>T, p.Ala462Ser (NM_000192.3); c.1234G>T, p.Ala412Ser (NM_080717.4); short protein forms A412S, A462S.
Identifiers: ClinVar variation 1708635 (VCV001708635.3), dbSNP rs758663811, ClinGen allele CA386925177.